The following is an entry in ClinVar:

NM_000059.4(BRCA2):c.126T>G (p.Tyr42Ter)

Gene: BRCA2 (BRCA2 DNA repair associated; plus strand). Cytogenetic location: 13q13.1.
Variant type: single nucleotide variant.
Coding change: c.126T>G on transcript NM_000059.4 (MANE Select); coding-DNA position 126, T replaced by G.
Protein change: p.Tyr42Ter; replaces tyrosine 42 with a stop codon.
Molecular consequence: nonsense. On other transcripts: 5 prime UTR variant (1), non-coding transcript variant (1).
Genome position (GRCh38, 1-based): chr13:32,319,135, T>G. VCF-style: chr13-32319135-T-G. GRCh37 (hg19) VCF-style: chr13-32893272-T-G.
Other names: c.126T>G, p.Tyr42Ter (NM_001406719.1, NM_001406720.1, NM_001406721.1 and 1 more transcripts); c.-244T>G (NM_001406722.1); short protein forms Y42*.
Identifiers: ClinVar variation 3695293 (VCV003695293.2).
Genomic context (GRCh38, chr13:32,319,135, plus strand): 5'-AGATTTAGGACCAATAAGTCTTAATTGGTTTGAAGAACTTTCTTCAGAAGCTCCACCCTA[T>G]AATTCTGAACCTGCAGAAGAATCTGAACATAAAAACAACAATTACGAACCAAACCTATTT-3'

ClinVar aggregate classification (germline): Pathogenic (1 of 4 stars; one submission).

Conditions:
Hereditary breast ovarian cancer syndrome. Also called: BRCA1- and BRCA2-Associated Hereditary Breast and Ovarian Cancer; Breast and ovarian cancer; Hereditary breast and ovarian cancer; Hereditary breast and ovarian cancer syndrome (HBOC); Hereditary breast and ovarian cancer syndrome; Hereditary breast and/or ovarian cancer syndrome. Identifiers: Orphanet 145, MedGen C0677776, MeSH D061325, MONDO:0003582. Disease mechanism: loss of function.

Submission:

Labcorp Genetics (formerly Invitae), Labcorp
Classification: Pathogenic for Hereditary breast ovarian cancer syndrome. Last evaluated: 2024-07-25. Review status: criteria provided, single submitter. Criteria: Invitae Variant Classification Sherloc (09022015). Collection method: clinical testing. Allele origin: germline.
Comment: This sequence change creates a premature translational stop signal (p.Tyr42*) in the BRCA2 gene. It is expected to result in an absent or disrupted protein product. Loss-of-function variants in BRCA2 are known to be pathogenic (PMID: 20104584). This variant is not present in population databases (gnomAD no frequency). This variant has not been reported in the literature in individuals affected with BRCA2-related conditions. For these reasons, this variant has been classified as Pathogenic.

Literature cited by the submitters: PubMed 20104584.